The following is an entry in ClinVar:

NR_001564.3(XIST):n.5199C>T

Gene: XIST (X inactive specific transcript; minus strand). Cytogenetic location: Xq13.2.
Variant type: single nucleotide variant.
Molecular consequence: non-coding transcript variant (on NR_001564.3).
Genome position: GRCh38 VCF-style: chrX-73847516-G-A. GRCh37 (hg19) VCF-style: chrX-73067351-G-A.
Identifiers: ClinVar variation 4980197 (VCV004980197.1).
Genomic context (GRCh38, chrX:73,847,516, plus strand): 5'-GGGATCTTCCCACCTCAGCCTCCCAAAGTGCTGGGATTACAGGTGTGAGCCACCACACCC[G>A]GCCTCAGGGCAATTTTGCATAATAGAAATTCAAGAAAGACTTTAGGAAATCAGTACCCCC-3'

ClinVar aggregate classification (germline): Likely benign (1 of 4 stars; one submission).

Conditions:
XIST-related disorder. Also called: XIST-related condition.

gnomAD v4.1: 114 of 510,806 alleles (0.022%); highest among the groups gnomAD compares: African/African-American, 0.19%; 1 homozygote.

Submission:

PreventionGenetics, part of Exact Sciences
Classification: Likely benign for XIST-related condition. Last evaluated: 2026-02-04. Review status: criteria provided, single submitter. Criteria: ACMG Guidelines, 2015. Collection method: clinical testing. Allele origin: germline.
Comment: This variant is classified as likely benign based on ACMG/AMP sequence variant interpretation guidelines (Richards et al. 2015 PMID: 25741868, with internal and published modifications).